The following is an entry in ClinVar:

NM_153240.5(NPHP3):c.1101_1102insATTTTATTATT (p.His368fs)

Genes: NPHP3 (nephrocystin 3; minus strand), NPHP3-ACAD11 (NPHP3-ACAD11 readthrough (NMD candidate); minus strand). Cytogenetic location: 3q22.1.
Variant type: Insertion.
Coding change: c.1101_1102insATTTTATTATT on transcript NM_153240.5 (MANE Select); coding-DNA positions 1101 to 1102, ATTTTATTATT inserted.
Protein change: p.His368fs; shifts the reading frame from histidine 368.
Molecular consequence: frameshift variant. On other transcripts: non-coding transcript variant (1).
Genome position: GRCh38 VCF-style: chr3-132713142-G-GAATAATAAAAT. GRCh37 (hg19) VCF-style: chr3-132431986-G-GAATAATAAAAT.
Other names: c.1101_1102insATTTTATTATT (NM_153240.4); short protein forms H368fs.
Identifiers: ClinVar variation 597322 (VCV000597322.8), dbSNP rs1560014115, ClinGen allele CA913189935.

ClinVar aggregate classification (germline): Pathogenic/Likely pathogenic. Review status: criteria provided, multiple submitters, no conflicts (2 of 4 stars). 4 submissions from 4 submitters: Pathogenic (1); Likely pathogenic (3). Last evaluated 2025-11-14.

Conditions:
NPHP3-related disorder. Also called: NPHP3-related disorders; NPHP3-related condition. Identifiers: MedGen CN379163.
NPHP3-related Meckel-like syndrome. Also called: Meckel syndrome type 7; GOLDSTON SYNDROME. Identifiers: Orphanet 3032, MedGen C2673885, MONDO:0009966, OMIM 267010.
Renal-hepatic-pancreatic dysplasia 1 (RHPD1). Identifiers: MedGen C3715199, MONDO:0008833, OMIM 208540.
Nephronophthisis 3 (NPHP3). Also called: Adolescent nephronophthisis. Identifiers: Orphanet 655, MedGen C1858392, MONDO:0011456, OMIM 604387.

Submissions (4):

PreventionGenetics, part of Exact Sciences
Classification: Likely pathogenic for NPHP3-related condition. Last evaluated: 2025-11-14. Review status: criteria provided, single submitter. Criteria: ACMG Guidelines, 2015. Collection method: clinical testing. Allele origin: germline.
Comment: The NPHP3 c.1101_1102insATTTTATTATT variant is predicted to result in a frameshift and premature protein termination (p.His368Ilefs*6). To our knowledge, this variant has not been reported in the literature or in a large population database (gnomAD), indicating this variant is rare. Frameshift variants in NPHP3 are expected to be pathogenic. This variant is interpreted as likely pathogenic.

Fulgent Genetics
Classification: Likely pathogenic for Renal-hepatic-pancreatic dysplasia 1; NPHP3-related Meckel-like syndrome; Nephronophthisis 3. Last evaluated: 2024-05-09. Review status: criteria provided, single submitter. Criteria: ACMG Guidelines, 2015. Collection method: clinical testing. Allele origin: germline.

Blueprint Genetics
Classification: Likely pathogenic for NPHP3-related disorders. Last evaluated: 2022-08-31. Review status: criteria provided, single submitter. Criteria: ACMG Guidelines, 2015. Collection method: clinical testing. Allele origin: germline. Affected: yes. Observed: 5 variant alleles.

Eurofins Ntd Llc (ga)
Classification: Pathogenic. Last evaluated: 2018-05-25. Review status: criteria provided, single submitter. Criteria: EGL ClinVar v180209 classification definitions. Collection method: clinical testing. Allele origin: germline.